The following is an entry in ClinVar:

NM_001356.5(DDX3X):c.1628C>T (p.Ser543Leu)

Gene: DDX3X (DEAD-box helicase 3 X-linked; plus strand). Cytogenetic location: Xp11.4.
Variant type: single nucleotide variant.
Coding change: c.1628C>T on transcript NM_001356.5 (MANE Select); coding-DNA position 1628, C replaced by T.
Protein change: p.Ser543Leu; replaces serine 543 with leucine.
Molecular consequence: missense variant. On other transcripts: non-coding transcript variant (1).
Genome position (GRCh38, 1-based): chrX:41,346,871, C>T. VCF-style: chrX-41346871-C-T. GRCh37 (hg19) VCF-style: chrX-41206124-C-T.
Other names: c.1628C>T, p.Ser543Leu (NM_001193416.3); c.1580C>T, p.Ser527Leu (NM_001193417.3); c.1070C>T, p.Ser357Leu (NM_001363819.1); c.1628C>T (NM_001356.3); short protein forms S357L, S527L, S543L.
Identifiers: ClinVar variation 1164038 (VCV001164038.2), dbSNP rs2147359928, ClinGen allele CA412777264.

ClinVar aggregate classification (germline): Uncertain significance. Review status: criteria provided, single submitter (1 of 4 stars). 2 submissions from 2 submitters: Uncertain significance (1). 1 of the submissions does not count toward it. Last evaluated 2024-09-03.

Conditions:
Inborn genetic diseases. Identifiers: MedGen C0950123, MeSH D030342.
Intellectual disability, X-linked 102 (MRXSSB). Also called: Intellectual developmental disorder, X-linked syndromic, Snijders Blok type. Identifiers: Orphanet 457260, MedGen C5393299, MONDO:0010497, OMIM 300958.

Submissions (2):

Ambry Genetics
Classification: Uncertain significance for Inborn genetic diseases. Last evaluated: 2024-09-03. Review status: criteria provided, single submitter. Criteria: Ambry Variant Classification Scheme 2023. Collection method: clinical testing. Allele origin: germline.
Comment: The c.1628C>T (p.S543L) alteration is located in exon 15 (coding exon 15) of the DDX3X gene. This alteration results from a C to T substitution at nucleotide position 1628, causing the serine (S) at amino acid position 543 to be replaced by a leucine (L). This variant was not reported in population-based cohorts in the Genome Aggregation Database (gnomAD). This amino acid position is highly conserved in available vertebrate species. This missense alteration is located in a region that has a low rate of benign missense variation (Lek, 2016; Firth, 2009). The in silico prediction for this alteration is inconclusive. Based on insufficient or conflicting evidence, the clinical significance of this alteration remains unclear.

Pediatric Genetics Clinic, Sheba Medical Center
Classification: Likely pathogenic for Intellectual disability, X-linked 102. Last evaluated: 2021-05-13. Review status: no assertion criteria provided. Collection method: clinical testing. Allele origin: de novo. Affected: yes. Observed: 1 heterozygote. Not counted in ClinVar's aggregate classification.

Literature cited by the submitters: PubMed 33504798 (cited by Ambry Genetics).